The following is an entry in ClinVar:

ClinVar aggregate classification (germline): Uncertain significance. Review status: criteria provided, multiple submitters, no conflicts (2 of 4 stars). 2 submissions from 2 submitters: Uncertain significance (2). Last evaluated 2024-05-02.

Conditions:
Duchenne muscular dystrophy (DMD). Also called: MUSCULAR DYSTROPHY, PSEUDOHYPERTROPHIC PROGRESSIVE, DUCHENNE TYPE; Duchenne Muscular Dystrophy (DMD). Identifiers: Orphanet 98896, MedGen C0013264, MONDO:0010679, OMIM 310200.

Submissions (2):

Labcorp Genetics (formerly Invitae), Labcorp
Classification: Uncertain significance for Duchenne muscular dystrophy. Last evaluated: 2024-05-02. Review status: criteria provided, single submitter. Criteria: Invitae Variant Classification Sherloc (09022015). Collection method: clinical testing. Allele origin: germline.
Comment: This sequence change replaces valine, which is neutral and non-polar, with leucine, which is neutral and non-polar, at codon 1160 of the DMD protein (p.Val1160Leu). This variant is not present in population databases (gnomAD no frequency). This variant has not been reported in the literature in individuals affected with DMD-related conditions. Advanced modeling of protein sequence and biophysical properties (such as structural, functional, and spatial information, amino acid conservation, physicochemical variation, residue mobility, and thermodynamic stability) performed at Invitae indicates that this missense variant is not expected to disrupt DMD protein function with a negative predictive value of 95%. In summary, the available evidence is currently insufficient to determine the role of this variant in disease. Therefore, it has been classified as a Variant of Uncertain Significance.

Blueprint Genetics
Classification: Uncertain significance. Last evaluated: 2024-02-13. Review status: criteria provided, single submitter. Criteria: ACMG Guidelines, 2015. Collection method: clinical testing. Allele origin: germline.

NM_004006.3(DMD):c.3478G>T (p.Val1160Leu)

Gene: DMD (dystrophin; minus strand). Cytogenetic location: Xp21.1.
Variant type: single nucleotide variant.
Coding change: c.3478G>T on transcript NM_004006.3 (MANE Select); coding-DNA position 3478, G replaced by T.
Protein change: p.Val1160Leu; replaces valine 1160 with leucine.
Molecular consequence: missense variant.
Genome position (GRCh38, 1-based): chrX:32,454,787, C>A on the plus strand (G>T on the coding strand, the complement: DMD is on the minus strand). VCF-style: chrX-32454787-C-A. GRCh37 (hg19) VCF-style: chrX-32472904-C-A.
Other names: c.3454G>T, p.Val1152Leu (NM_000109.4); c.3466G>T, p.Val1156Leu (NM_004009.3); c.3109G>T, p.Val1037Leu (NM_004010.3); short protein forms V1156L, V1152L, V1037L, V1160L.
Identifiers: ClinVar variation 3634838 (VCV003634838.3).
Genomic context (GRCh38, chrX:32,454,787, plus strand): 5'-ACTCTTCTTCAGCTTGTGTCATCCATTCGTGCATCTCTGATAGATCTTTCTGGAGGCTTA[C>A]AGTTTTCTCCAAACCTCCCTTCAAGGCCTCCTTTCTGGCATAGACCTTCCACAAAACAAA-3'
Protein context (NP_003997.2, residues 1150-1170): EALKGGLEKT[Val1160Leu]SLQKDLSEMH